The following is an entry in ClinVar:

NM_001322934.2(NFKB2):c.118C>T (p.Leu40=)

Gene: NFKB2 (nuclear factor kappa B subunit 2; plus strand). Cytogenetic location: 10q24.32.
Variant type: single nucleotide variant.
Coding change: c.118C>T on transcript NM_001322934.2 (MANE Select); coding-DNA position 118, C replaced by T.
Protein change: p.Leu40=; no amino-acid change (leucine 40 retained).
Molecular consequence: synonymous variant.
Genome position (GRCh38, 1-based): chr10:102,396,463, C>T. VCF-style: chr10-102396463-C-T. GRCh37 (hg19) VCF-style: chr10-104156220-C-T.
Other names: c.118C>T, p.Leu40= (NM_001077494.3, NM_001261403.3, NM_001288724.1 and 2 more transcripts).
Identifiers: ClinVar variation 734266 (VCV000734266.13), dbSNP rs368708648, ClinGen allele CA5664458.

ClinVar aggregate classification (germline): Likely benign. Review status: criteria provided, multiple submitters, no conflicts (2 of 4 stars). 3 submissions from 3 submitters: Likely benign (2). 1 of the submissions does not count toward it. Last evaluated 2025-12-02.

Conditions:
NFKB2-related disorder. Also called: NFKB2-related condition.
Immunodeficiency, common variable, 10. Also called: DEFICIT IN ANTERIOR PITUITARY FUNCTION AND VARIABLE IMMUNODEFICIENCY; IMMUNODEFICIENCY, COMMON VARIABLE, WITH CENTRAL ADRENAL INSUFFICIENCY. Identifiers: MedGen C3809991, MONDO:0014260, OMIM 615577.

Allele frequency attached by ClinVar (database versions not stated): gnomAD exomes 0.00002 and 0.00009; TOPMed 0.00002; gnomAD 0.00003 and 0.00004; ExAC 0.00004; ESP Exome Variant Server 0.00016.
gnomAD v4.1: 145 of 1,613,996 alleles (0.009%); highest among the groups gnomAD compares: Non-Finnish European, 0.012%; no homozygotes.

Submissions (3):

Labcorp Genetics (formerly Invitae), Labcorp
Classification: Likely benign for Immunodeficiency, common variable, 10. Last evaluated: 2025-12-02. Review status: criteria provided, single submitter. Criteria: Invitae Variant Classification Sherloc (09022015). Collection method: clinical testing. Allele origin: germline.

Blueprint Genetics
Classification: Likely benign. Last evaluated: 2024-09-12. Review status: criteria provided, single submitter. Criteria: ACMG Guidelines, 2015. Collection method: clinical testing. Allele origin: germline.

PreventionGenetics, part of Exact Sciences
Classification: Likely benign for NFKB2-related condition. Last evaluated: 2019-10-28. Review status: no assertion criteria provided. Collection method: clinical testing. Allele origin: germline. Not counted in ClinVar's aggregate classification.
Comment: This variant is classified as likely benign based on ACMG/AMP sequence variant interpretation guidelines (Richards et al. 2015 PMID: 25741868, with internal and published modifications).